The following is an entry in ClinVar:

NM_001130823.3(DNMT1):c.1833-4G>A

Gene: DNMT1 (DNA methyltransferase 1; minus strand). Cytogenetic location: 19p13.2.
Variant type: single nucleotide variant.
Coding change: c.1833-4G>A on transcript NM_001130823.3 (MANE Select); 4 bases into the intron before coding-DNA position 1833, G replaced by A.
Molecular consequence: intron variant.
Genome position (GRCh38, 1-based): chr19:10,154,483, C>T on the plus strand (G>A on the coding strand, the complement: DNMT1 is on the minus strand). VCF-style: chr19-10154483-C-T. GRCh37 (hg19) VCF-style: chr19-10265159-C-T.
Other names: c.1833-4G>A (NM_001130823.2, LRG_362t1); c.1470-4G>A (NM_001318731.2); c.1785-4G>A (NM_001379.4, NM_001318730.2).
Identifiers: ClinVar variation 472264 (VCV000472264.14), dbSNP rs753887750, ClinGen allele CA9188184.
Genomic context (GRCh38, chr19:10,154,483, plus strand): 5'-CCCCTGTCCTTCTCCCTGGTAGAATGCCTGATGGTCTGCCGCCTCGCCTGGGCTCGCCTA[C>T]GGGAGAGGTTCCAGCATCTCAGAGGACTGGGACAGAGGATGTGGGCCATGCTCTACCCTC-3'

ClinVar aggregate classification (germline): Likely benign. Review status: criteria provided, multiple submitters, no conflicts (2 of 4 stars). 3 submissions from 3 submitters: Likely benign (3). Last evaluated 2024-11-14.

Conditions:
DNMT1-related disorder. Also called: DNMT1-related condition. Identifiers: MedGen CN381527.
Hereditary sensory neuropathy-deafness-dementia syndrome. Also called: Hereditary Sensory and Autonomic Neuropathy Type 1E (HSAN1E); HSN IE; Hereditary sensory neuropathy type IE; NEUROPATHY, HEREDITARY SENSORY, WITH HEARING LOSS AND DEMENTIA. Identifiers: Orphanet 456318, MedGen C3279885, MONDO:0013584, OMIM 614116.

Allele frequency attached by ClinVar (database versions not stated): TOPMed 0.00001; ExAC 0.00002; gnomAD 0.00003 and 0.00004; gnomAD exomes 0.00003.
gnomAD v4.1: 27 of 1,614,074 alleles (0.0017%); highest among the groups gnomAD compares: East Asian, 0.018%; no homozygotes.

Submissions (3):

PreventionGenetics, part of Exact Sciences
Classification: Likely benign for DNMT1-related condition. Last evaluated: 2024-11-14. Review status: criteria provided, single submitter. Criteria: ACMG Guidelines, 2015. Collection method: clinical testing. Allele origin: germline.
Comment: This variant is classified as likely benign based on ACMG/AMP sequence variant interpretation guidelines (Richards et al. 2015 PMID: 25741868, with internal and published modifications).

Blueprint Genetics
Classification: Likely benign. Last evaluated: 2023-08-25. Review status: criteria provided, single submitter. Criteria: ACMG Guidelines, 2015. Collection method: clinical testing. Allele origin: germline.

Labcorp Genetics (formerly Invitae), Labcorp
Classification: Likely benign for Hereditary sensory neuropathy-deafness-dementia syndrome. Last evaluated: 2023-03-10. Review status: criteria provided, single submitter. Criteria: Invitae Variant Classification Sherloc (09022015). Collection method: clinical testing. Allele origin: germline.